The following is an entry in ClinVar:

ClinVar aggregate classification (germline): Uncertain significance (1 of 4 stars; one submission).

Conditions:
Vici syndrome (VICIS). Identifiers: Orphanet 1493, MedGen C1855772, MONDO:0009452, OMIM 242840.

Allele frequency attached by ClinVar (database versions not stated): TOPMed below 0.00001; gnomAD 0.00001; ExAC 0.00002; gnomAD exomes 0.00002.
gnomAD v4.1: 25 of 1,614,048 alleles (0.0015%); highest among the groups gnomAD compares: African/African-American, 0.0027%; no homozygotes.

Submission:

Labcorp Genetics (formerly Invitae), Labcorp
Classification: Uncertain significance for Vici syndrome. Last evaluated: 2021-09-01. Review status: criteria provided, single submitter. Criteria: Invitae Variant Classification Sherloc (09022015). Collection method: clinical testing. Allele origin: germline.
Comment: This sequence change replaces alanine with valine at codon 1505 of the EPG5 protein (p.Ala1505Val). The alanine residue is moderately conserved and there is a small physicochemical difference between alanine and valine. The frequency data for this variant in the population databases is considered unreliable, as metrics indicate poor data quality at this position in the ExAC database. This variant has not been reported in the literature in individuals affected with EPG5-related conditions. Algorithms developed to predict the effect of missense changes on protein structure and function output the following: SIFT: "Tolerated"; PolyPhen-2: "Benign"; Align-GVGD: "Class C0". The valine amino acid residue is found in multiple mammalian species, which suggests that this missense change does not adversely affect protein function. In summary, the available evidence is currently insufficient to determine the role of this variant in disease. Therefore, it has been classified as a Variant of Uncertain Significance.

NM_020964.3(EPG5):c.4514C>T (p.Ala1505Val)

Gene: EPG5 (ectopic P-granules 5 autophagy tethering factor; minus strand). Cytogenetic location: 18q21.1.
Variant type: single nucleotide variant.
Coding change: c.4514C>T on transcript NM_020964.3 (MANE Select); coding-DNA position 4514, C replaced by T.
Protein change: p.Ala1505Val; replaces alanine 1505 with valine.
Molecular consequence: missense variant.
Genome position (GRCh38, 1-based): chr18:45,901,128, G>A on the plus strand (C>T on the coding strand, the complement: EPG5 is on the minus strand). VCF-style: chr18-45901128-G-A. GRCh37 (hg19) VCF-style: chr18-43481093-G-A.
Other names: c.4514C>T, p.Ala1505Val (NM_001410858.1, NM_001410859.1); short protein forms A1505V.
Identifiers: ClinVar variation 1981626 (VCV001981626.1), dbSNP rs757513321, ClinGen allele CA8948835.
Genomic context (GRCh38, chr18:45,901,128, plus strand): 5'-GCAGAGGAAATAACTGGCACAGGAGGCTTCGTCGGGTGCAGAGCAAGGGGAGGCTGGGGA[G>A]CCTCATGCTTCCGCAAGTTACTTAAAACCCTTTCTTTAGCTGAAAGAAAATTAAGTCATA-3'
Protein context (NP_066015.2, residues 1495-1515): RVLSNLRKHE[Ala1505Val]PQPPLALHPT